The following is an entry in ClinVar:

ClinVar aggregate classification (germline): Uncertain significance (1 of 4 stars; one submission).

Conditions:
Cardiovascular phenotype. Identifiers: MedGen CN230736.

Submission:

Ambry Genetics
Classification: Uncertain significance for Cardiovascular phenotype. Last evaluated: 2026-02-19. Review status: criteria provided, single submitter. Criteria: Ambry Variant Classification Scheme 2023. Collection method: clinical testing. Allele origin: germline.
Comment: The p.P1061T variant (also known as c.3181C>A), located in coding exon 8 of the HCN4 gene, results from a C to A substitution at nucleotide position 3181. The proline at codon 1061 is replaced by threonine, an amino acid with highly similar properties. This amino acid position is conserved. In addition, the in silico prediction for this alteration is inconclusive. Based on the available evidence, the clinical significance of this variant remains unclear.

NM_005477.3(HCN4):c.3181C>A (p.Pro1061Thr)

Gene: HCN4 (hyperpolarization activated cyclic nucleotide gated potassium channel 4; minus strand). Cytogenetic location: 15q24.1.
Variant type: single nucleotide variant.
Coding change: c.3181C>A on transcript NM_005477.3 (MANE Select); coding-DNA position 3181, C replaced by A.
Protein change: p.Pro1061Thr; replaces proline 1061 with threonine.
Molecular consequence: missense variant.
Genome position (GRCh38, 1-based): chr15:73,322,912, G>T on the plus strand (C>A on the coding strand, the complement: HCN4 is on the minus strand). VCF-style: chr15-73322912-G-T. GRCh37 (hg19) VCF-style: chr15-73615253-G-T.
Other names: short protein forms P1061T.
Identifiers: ClinVar variation 4824025 (VCV004824025.1).